The following is an entry in ClinVar:

ClinVar aggregate classification (germline): Benign/Likely benign. Review status: criteria provided, multiple submitters, no conflicts (2 of 4 stars). 10 submissions from 10 submitters: Benign (6); Likely benign (1). 3 of the submissions do not count toward it. Last evaluated 2026-02-04.

Conditions:
Autosomal recessive juvenile Parkinson disease 2. Also called: PARKINSON DISEASE, JUVENILE, AUTOSOMAL RECESSIVE; Parkinson disease, juvenile, type 2; PRKN-Related Early-Onset Parkinson Disease; Parkinson disease autosomal recessive, early onset; Juvenile parkinsonism; Parkinsonism, early onset, with diurnal fluctuation. Identifiers: Orphanet 2828, MedGen C1868675, MONDO:0010820, OMIM 600116.
Lung cancer. Also called: Lung cancer, somatic; Malignant tumor of lung. Identifiers: MedGen C0242379, MONDO:0008903, OMIM 211980.
Ovarian neoplasm. Also called: Ovarian tumor; Ovarian Neoplasms; Neoplasm of ovary. Identifiers: MedGen C0919267, MeSH D010051, MONDO:0021068, HP:0100615.

Allele frequency attached by ClinVar (database versions not stated): gnomAD exomes 0.03523 and 0.07113; ESP Exome Variant Server 0.03921; gnomAD 0.05277 and 0.05714; TOPMed 0.06659; ExAC 0.06758; 1000 Genomes Project 30x 0.11181; 1000 Genomes Project 0.11741.
gnomAD v4.1: 61,173 of 1,613,996 alleles (3.8%); highest among the groups gnomAD compares: East Asian, 39%; 4,876 homozygotes.

Submissions (10):

Labcorp Genetics (formerly Invitae), Labcorp
Classification: Benign. Last evaluated: 2026-02-04. Review status: criteria provided, single submitter. Criteria: Invitae Variant Classification Sherloc (09022015). Collection method: clinical testing. Allele origin: germline.

Athena Diagnostics
Classification: Benign. Last evaluated: 2024-07-31. Review status: criteria provided, single submitter. Criteria: Athena Diagnostics Criteria. Collection method: clinical testing. Allele origin: unknown.

Unidad de Genómica Garrahan, Hospital de Pediatría Garrahan
Classification: Benign. Last evaluated: 2024-07-31. Review status: criteria provided, single submitter. Criteria: ACMG Guidelines, 2015. Collection method: clinical testing. Allele origin: germline. Affected: no. Observed: 22 variant alleles.
Comment: This variant is classified as Benign based on local population frequency. This variant was detected in 24% of patients studied in a panel designed for Epileptic and Developmental Encephalopathy, Progressive Myoclonus Epilepsy and Abnormal Movements and Neurodegeneration with brain iron accumulation. Number of patients: 22. Only high quality variants are reported.

Mayo Clinic Laboratories, Mayo Clinic
Classification: Benign. Last evaluated: 2023-01-24. Review status: criteria provided, single submitter. Criteria: ACMG Guidelines, 2015. Collection method: clinical testing. Allele origin: germline. Observed: 58 variant alleles.
Comment: BA1, BP4

Fulgent Genetics
Classification: Likely benign for Ovarian cancer; Lung cancer; Autosomal recessive juvenile Parkinson disease 2. Last evaluated: 2022-04-19. Review status: criteria provided, single submitter. Criteria: ACMG Guidelines, 2015. Collection method: clinical testing. Allele origin: unknown.

Illumina Laboratory Services, Illumina
Classification: Benign for Autosomal recessive juvenile Parkinson disease 2. Last evaluated: 2018-03-06. Review status: criteria provided, single submitter. Criteria: ICSL Variant Classification Criteria 13 December 2019. Collection method: clinical testing. Allele origin: germline.
Comment: This variant was observed in the ICSL laboratory as part of a predisposition screen in an ostensibly healthy population. It had not been previously curated by ICSL or reported in the Human Gene Mutation Database (HGMD: prior to June 1st, 2018), and was therefore a candidate for classification through an automated scoring system. Utilizing variant allele frequency, disease prevalence and penetrance estimates, and inheritance mode, an automated score was calculated to assess if this variant is too frequent to cause the disease. Based on the score and internal cut-off values, a variant classified as benign is not then subjected to further curation. The score for this variant resulted in a classification of benign for this disease.

PreventionGenetics, part of Exact Sciences
Classification: Benign. Review status: criteria provided, single submitter. Criteria: ACMG Guidelines, 2015. Collection method: clinical testing. Allele origin: germline.

Clinical Genetics DNA and cytogenetics Diagnostics Lab, Erasmus MC, Erasmus Medical Center
Classification: Benign. Review status: no assertion criteria provided. Collection method: clinical testing. Allele origin: germline. Affected: yes. Study: VKGL Data-share Consensus. Not counted in ClinVar's aggregate classification.

GeneReviews
No classification provided. Condition: Autosomal recessive juvenile Parkinson disease 2. Review status: no classification provided. Collection method: literature only. Allele origin: unknown. Not counted in ClinVar's aggregate classification.

Genome Diagnostics Laboratory, Amsterdam University Medical Center
Classification: Benign. Review status: no assertion criteria provided. Collection method: clinical testing. Allele origin: germline. Affected: yes. Study: VKGL Data-share Consensus. Not counted in ClinVar's aggregate classification.

Literature cited by the submitters: PubMed 20301651 (cited by Athena Diagnostics and GeneReviews); PubMed 12975291 (cited by Athena Diagnostics and GeneReviews); PubMed 10319889 (cited by Athena Diagnostics and GeneReviews); PubMed 10511432 (cited by Athena Diagnostics and Mayo Clinic Laboratories, Mayo Clinic); PubMed 16227559 (cited by Athena Diagnostics and Mayo Clinic Laboratories, Mayo Clinic); PubMed 18389263 (cited by Athena Diagnostics); PubMed 22766139 (cited by Athena Diagnostics and Mayo Clinic Laboratories, Mayo Clinic); PubMed 31409571 (cited by Athena Diagnostics and Mayo Clinic Laboratories, Mayo Clinic); PubMed 26016408 (cited by Athena Diagnostics and Mayo Clinic Laboratories, Mayo Clinic); PubMed 29767709 (cited by Athena Diagnostics); PubMed 30994895 (cited by Athena Diagnostics); PubMed 33845304 (cited by Mayo Clinic Laboratories, Mayo Clinic); NCBI Bookshelf NBK1478 (cited by GeneReviews).

NM_004562.3(PRKN):c.500G>A (p.Ser167Asn)

Genes: PRKN (parkin RBR E3 ubiquitin protein ligase; minus strand), LOC126859871 (MED14-independent group 3 enhancer GRCh37_chr6:162621359-162622558; plus strand). Cytogenetic location: 6q26.
Variant type: single nucleotide variant.
Coding change: c.500G>A on transcript NM_004562.3 (MANE Select); coding-DNA position 500, G replaced by A.
Protein change: p.Ser167Asn; replaces serine 167 with asparagine.
Molecular consequence: missense variant. On other transcripts: intron variant (1).
Genome position (GRCh38, 1-based): chr6:162,201,165, C>T on the plus strand (G>A on the coding strand, the complement: PRKN is on the minus strand). VCF-style: chr6-162201165-C-T. GRCh37 (hg19) VCF-style: chr6-162622197-C-T.
Other names: c.500G>A, p.Ser167Asn (NM_013987.3); c.172-227748G>A (NM_013988.3); short protein forms S167N.
Identifiers: ClinVar variation 41223 (VCV000041223.23), dbSNP rs1801474, ClinGen allele CA344227.
Genomic context (GRCh38, chr6:162,201,165, plus strand): 5'-CTCATGCTGACACTGCATTTCCTTACCTGGGTCAAGGTGAGCGTTGCCTGCCTGCAGGTG[C>T]TGCACTGTACCCTGAGTTTTCCCGGCTGCACTCTTTGACAGGGGCCTTTGCAATACACAT-3'
Protein context (NP_004553.2, residues 157-177): VQPGKLRVQC[Ser167Asn]TCRQATLTLT